The following is an entry in ClinVar:

NM_001161352.2(KCNMA1):c.2057A>T (p.Asp686Val)

Gene: KCNMA1 (potassium calcium-activated channel subfamily M alpha 1; minus strand). Cytogenetic location: 10q22.3.
Variant type: single nucleotide variant.
Coding change: c.2057A>T on transcript NM_001161352.2 (MANE Select); coding-DNA position 2057, A replaced by T.
Protein change: p.Asp686Val; replaces aspartic acid 686 with valine.
Molecular consequence: missense variant.
Genome position (GRCh38, 1-based): chr10:77,012,002, T>A on the plus strand (A>T on the coding strand, the complement: KCNMA1 is on the minus strand). VCF-style: chr10-77012002-T-A. GRCh37 (hg19) VCF-style: chr10-78771760-T-A.
Other names: c.2069A>T, p.Asp690Val (NM_001014797.3, NM_001322830.2, NM_001322835.2 and 1 more transcripts); c.2057A>T, p.Asp686Val (NM_001161353.2, NM_001271519.2, NM_001322829.2 and 3 more transcripts); c.1907A>T, p.Asp636Val (NM_001271518.2); c.1517A>T, p.Asp506Val (NM_001322838.2); short protein forms D506V, D636V, D686V, D690V.
Identifiers: ClinVar variation 1302605 (VCV001302605.6), dbSNP rs2153454278, ClinGen allele CA377407236.
Genomic context (GRCh38, chr10:77,012,002, plus strand): 5'-GGACAGGGAGAGAAACACTACTTACGCCGTTTGCAGCCACATTTTTTTATTCTTTTGGGA[T>A]CTGTGATGTCATCATGACAGGCCTTGCAGTAAAAAAATGCCCTGGAGAAAGAGAATGGAA-3'
Protein context (NP_001154824.1, residues 676-696): YCKACHDDIT[Asp686Val]PKRIKKCGCK

ClinVar aggregate classification (germline): Uncertain significance. Review status: criteria provided, multiple submitters, no conflicts (2 of 4 stars). 2 submissions from 2 submitters: Uncertain significance (2). Last evaluated 2022-10-26.

Conditions:
Generalized epilepsy-paroxysmal dyskinesia syndrome (PNKD3). Also called: Paroxysmal nonkinesigenic dyskinesia, 3, with or without generalized epilepsy; Generalized epilepsy and paroxysmal dyskinesia. Identifiers: Orphanet 79137, MedGen C5574945, MONDO:0012276, OMIM 609446.

Submissions (2):

Labcorp Genetics (formerly Invitae), Labcorp
Classification: Uncertain significance for Generalized epilepsy-paroxysmal dyskinesia syndrome. Last evaluated: 2022-10-26. Review status: criteria provided, single submitter. Criteria: Invitae Variant Classification Sherloc (09022015). Collection method: clinical testing. Allele origin: germline.
Comment: In summary, the available evidence is currently insufficient to determine the role of this variant in disease. Therefore, it has been classified as a Variant of Uncertain Significance. Algorithms developed to predict the effect of missense changes on protein structure and function (SIFT, PolyPhen-2, Align-GVGD) all suggest that this variant is likely to be disruptive. ClinVar contains an entry for this variant (Variation ID: 1302605). This sequence change replaces aspartic acid, which is acidic and polar, with valine, which is neutral and non-polar, at codon 686 of the KCNMA1 protein (p.Asp686Val). This variant is not present in population databases (gnomAD no frequency). This variant has not been reported in the literature in individuals affected with KCNMA1-related conditions.

GeneDx
Classification: Uncertain significance. Last evaluated: 2019-07-03. Review status: criteria provided, single submitter. Criteria: GeneDx Variant Classification Process June 2021. Collection method: clinical testing. Allele origin: germline. Affected: yes.
Comment: Not observed in large population cohorts (Lek et al., 2016); In silico analysis, which includes protein predictors and evolutionary conservation, supports a deleterious effect; Has not been previously published as pathogenic or benign to our knowledge